The following is an entry in ClinVar:

NM_198578.4(LRRK2):c.2579G>C (p.Ser860Thr)

Gene: LRRK2 (leucine rich repeat kinase 2; plus strand). Cytogenetic location: 12q12.
Variant type: single nucleotide variant.
Coding change: c.2579G>C on transcript NM_198578.4 (MANE Select); coding-DNA position 2579, G replaced by C.
Protein change: p.Ser860Thr; replaces serine 860 with threonine.
Molecular consequence: missense variant.
Genome position (GRCh38, 1-based): chr12:40,287,429, G>C. VCF-style: chr12-40287429-G-C. GRCh37 (hg19) VCF-style: chr12-40681231-G-C.
Other names: short protein forms S860T.
Identifiers: ClinVar variation 1793341 (VCV001793341.2), dbSNP rs747546304, ClinGen allele CA384408757.

ClinVar aggregate classification (germline): Uncertain significance (1 of 4 stars; one submission).

Conditions:
Inborn genetic diseases. Identifiers: MedGen C0950123, MeSH D030342.

Submission:

Ambry Genetics
Classification: Uncertain significance for Inborn genetic diseases. Last evaluated: 2021-09-09. Review status: criteria provided, single submitter. Criteria: Ambry Variant Classification Scheme 2023. Collection method: clinical testing. Allele origin: germline.
Comment: The p.S860T variant (also known as c.2579G>C), located in coding exon 20 of the LRRK2 gene, results from a G to C substitution at nucleotide position 2579. The serine at codon 860 is replaced by threonine, an amino acid with similar properties. This amino acid position is conserved. In addition, this alteration is predicted to be tolerated by in silico analysis. Since supporting evidence is limited at this time, the clinical significance of this alteration remains unclear.